The following is an entry in ClinVar:

NM_020312.4(COQ9):c.*100C>T

Gene: COQ9 (coenzyme Q9; plus strand). Cytogenetic location: 16q21.
Variant type: single nucleotide variant.
Coding change: c.*100C>T on transcript NM_020312.4 (MANE Select); 100 bases downstream of the stop codon, C replaced by T.
Molecular consequence: 3 prime UTR variant.
Genome position (GRCh38, 1-based): chr16:57,460,724, C>T. VCF-style: chr16-57460724-C-T. GRCh37 (hg19) VCF-style: chr16-57494636-C-T.
Identifiers: ClinVar variation 320012 (VCV000320012.5), dbSNP rs373048666, ClinGen allele CA10643945.
Genomic context (GRCh38, chr16:57,460,724, plus strand): 5'-GCGGACAGATTGAAAGAGCTTTGAAAAGTATAAGGTGCCATCCACATAACCTGGTGTTCA[C>T]GAGAACACACTAAAGGACTCCTGAGTCACTACCACAGCCACCTGGAAACCACAAGGCATT-3'

ClinVar aggregate classification (germline): Likely benign (1 of 4 stars; one submission).

Conditions:
Encephalopathy-hypertrophic cardiomyopathy-renal tubular disease syndrome. Identifiers: Orphanet 319678, MedGen C3553374, MONDO:0013840, OMIM 614654.

Allele frequency attached by ClinVar (database versions not stated): TOPMed 0.00068; gnomAD 0.00071 and 0.00149; 1000 Genomes Project 30x 0.00328; 1000 Genomes Project 0.00399.
gnomAD v4.1: 2,854 of 1,123,366 alleles (0.25%); highest among the groups gnomAD compares: South Asian, 2.6%; 63 homozygotes.

Submission:

Illumina Laboratory Services, Illumina
Classification: Likely benign for Encephalopathy-hypertrophic cardiomyopathy-renal tubular disease syndrome. Last evaluated: 2018-01-12. Review status: criteria provided, single submitter. Criteria: ICSL Variant Classification Criteria 13 December 2019. Collection method: clinical testing. Allele origin: germline.
Comment: This variant was observed in the ICSL laboratory as part of a predisposition screen in an ostensibly healthy population. It had not been previously curated by ICSL or reported in the Human Gene Mutation Database (HGMD: prior to June 1st, 2018), and was therefore a candidate for classification through an automated scoring system. Utilizing variant allele frequency, disease prevalence and penetrance estimates, and inheritance mode, an automated score was calculated to assess if this variant is too frequent to cause the disease. Based on the score and internal cut-off values, a variant classified as likely benign is not then subjected to further curation. The score for this variant resulted in a classification of likely benign for this disease.